The following is an entry in ClinVar:

ClinVar aggregate classification (germline): Conflicting classifications of pathogenicity. Review status: criteria provided, conflicting classifications (1 of 4 stars). 2 submissions from 2 submitters: Uncertain significance (1); Likely benign (1). Last evaluated 2025-04-03.

Submissions (2):

Ambry Genetics
Classification: Likely benign. Last evaluated: 2025-04-03. Review status: criteria provided, single submitter. Criteria: Ambry Variant Classification Scheme 2023. Collection method: clinical testing. Allele origin: germline.

Labcorp Genetics (formerly Invitae), Labcorp
Classification: Uncertain significance. Last evaluated: 2024-05-14. Review status: criteria provided, single submitter. Criteria: Invitae Variant Classification Sherloc (09022015). Collection method: clinical testing. Allele origin: germline.
Comment: This sequence change replaces tyrosine, which is neutral and polar, with cysteine, which is neutral and slightly polar, at codon 639 of the GEN1 protein (p.Tyr639Cys). This variant is not present in population databases (gnomAD no frequency). This variant has not been reported in the literature in individuals affected with GEN1-related conditions. Algorithms developed to predict the effect of missense changes on protein structure and function output the following: SIFT: "Not Available"; PolyPhen-2: "Benign"; Align-GVGD: "Not Available". The cysteine amino acid residue is found in multiple mammalian species, which suggests that this missense change does not adversely affect protein function. In summary, the available evidence is currently insufficient to determine the role of this variant in disease. Therefore, it has been classified as a Variant of Uncertain Significance.

NM_001130009.3(GEN1):c.1916A>G (p.Tyr639Cys)

Gene: GEN1 (GEN1 structure-specific endonuclease; plus strand). Cytogenetic location: 2p24.2.
Variant type: single nucleotide variant.
Coding change: c.1916A>G on transcript NM_001130009.3 (MANE Select); coding-DNA position 1916, A replaced by G.
Protein change: p.Tyr639Cys; replaces tyrosine 639 with cysteine.
Molecular consequence: missense variant.
Genome position (GRCh38, 1-based): chr2:17,781,128, A>G. VCF-style: chr2-17781128-A-G. GRCh37 (hg19) VCF-style: chr2-17962395-A-G.
Other names: c.1916A>G, p.Tyr639Cys (NM_182625.5); c.1916A>G (NM_001130009.1); short protein forms Y639C.
Identifiers: ClinVar variation 3628632 (VCV003628632.3).
Genomic context (GRCh38, chr2:17,781,128, plus strand): 5'-CAGCCATCCCTGATGGCTTTGAAAATATCCCAGAACAACTGTCCTGTGAATCAGAAAGGT[A>G]CACTGCAAACATAAAGAAAGTGTTGGATGAGGATTCTGATGGGATTAGTCCTGAAGAGCA-3'
Protein context (NP_001123481.3, residues 629-649): PEQLSCESER[Tyr639Cys]TANIKKVLDE